The following is an entry in ClinVar:

ClinVar aggregate classification (germline): Uncertain significance (1 of 4 stars; one submission).

Conditions:
Inborn genetic diseases. Identifiers: MedGen C0950123, MeSH D030342.

Submission:

Ambry Genetics
Classification: Uncertain significance for Inborn genetic diseases. Last evaluated: 2023-02-27. Review status: criteria provided, single submitter. Criteria: Ambry Variant Classification Scheme 2023. Collection method: clinical testing. Allele origin: germline.
Comment: The p.S463I variant (also known as c.1388G>T), located in coding exon 13 of the AKT1 gene, results from a G to T substitution at nucleotide position 1388. The serine at codon 463 is replaced by isoleucine, an amino acid with dissimilar properties. This amino acid position is conserved. In addition, this alteration is predicted to be tolerated by in silico analysis. Since supporting evidence is limited at this time, the clinical significance of this alteration remains unclear.

NM_001382430.1(AKT1):c.1388G>T (p.Ser463Ile)

Gene: AKT1 (AKT serine/threonine kinase 1; minus strand). Cytogenetic location: 14q32.33.
Variant type: single nucleotide variant.
Coding change: c.1388G>T on transcript NM_001382430.1 (MANE Select); coding-DNA position 1388, G replaced by T.
Protein change: p.Ser463Ile; replaces serine 463 with isoleucine.
Molecular consequence: missense variant.
Genome position (GRCh38, 1-based): chr14:104,770,396, C>A on the plus strand (G>T on the coding strand, the complement: AKT1 is on the minus strand). VCF-style: chr14-104770396-C-A. GRCh37 (hg19) VCF-style: chr14-105236733-C-A.
Other names: c.1388G>T, p.Ser463Ile (NM_001014431.2, NM_001014432.2, NM_001382431.1 and 3 more transcripts); short protein forms S463I.
Identifiers: ClinVar variation 2453716 (VCV002453716.2), dbSNP rs2542099607, ClinGen allele CA391214313.